The following is an entry in ClinVar:

ClinVar aggregate classification (germline): Uncertain significance (1 of 4 stars; one submission).

Submission:

Ambry Genetics
Classification: Uncertain significance. Last evaluated: 2023-11-15. Review status: criteria provided, single submitter. Criteria: Ambry Variant Classification Scheme 2023. Collection method: clinical testing. Allele origin: germline.
Comment: The p.M1305I variant (also known as c.3915G>A), located in coding exon 17 of the NPAT gene, results from a G to A substitution at nucleotide position 3915. The methionine at codon 1305 is replaced by isoleucine, an amino acid with highly similar properties. This amino acid position is conserved. In addition, this alteration is predicted to be tolerated by in silico analysis. Since supporting evidence is limited at this time, the clinical significance of this alteration remains unclear.

NM_002519.3(NPAT):c.3915G>A (p.Met1305Ile)

Gene: NPAT (nuclear protein, coactivator of histone transcription; minus strand). Cytogenetic location: 11q22.3.
Variant type: single nucleotide variant.
Coding change: c.3915G>A on transcript NM_002519.3 (MANE Select); coding-DNA position 3915, G replaced by A.
Protein change: p.Met1305Ile; replaces methionine 1305 with isoleucine.
Molecular consequence: missense variant.
Genome position (GRCh38, 1-based): chr11:108,161,171, C>T on the plus strand (G>A on the coding strand, the complement: NPAT is on the minus strand). VCF-style: chr11-108161171-C-T. GRCh37 (hg19) VCF-style: chr11-108031898-C-T.
Other names: c.3936G>A, p.Met1312Ile (NM_001321307.1); short protein forms M1305I, M1312I.
Identifiers: ClinVar variation 3222607 (VCV003222607.1), dbSNP rs2496694110, ClinGen allele CA382509767.
Genomic context (GRCh38, chr11:108,161,171, plus strand): 5'-TTCACTTCCTGTTTCACTGGCAGGGCTGCAGGCAGGCAAGTCTGGGGTGACAGGAGGGAC[C>T]ATTACTTTTGATGTACTACTGTCTTCACTGAAACGCCTACTAGAGGGGGCCTTGATAATA-3'
Protein context (NP_002510.2, residues 1295-1315): FSEDSSTSKV[Met1305Ile]VPPVTPDLPA